The following is an entry in ClinVar:

ClinVar aggregate classification (germline): Pathogenic. Review status: criteria provided, single submitter (1 of 4 stars). 3 submissions from 3 submitters: Pathogenic (1). 2 of the submissions do not count toward it. Last evaluated 2018-05-16.

Conditions:
CHARGE syndrome (CHARGE). Also called: Hittner Hirsch Kreh syndrome; CHARGE ASSOCIATION--COLOBOMA, HEART ANOMALY, CHOANAL ATRESIA, RETARDATION, GENITAL AND EAR ANOMALIES; Coloboma, heart anomaly, choanal atresia, retardation, genital and ear anomalies; CHARGE association; Hall-Hittner syndrome. Identifiers: Orphanet 138, MedGen C0265354, MONDO:0008965.

Submissions (3):

Labcorp Genetics (formerly Invitae), Labcorp
Classification: Pathogenic for CHARGE syndrome. Last evaluated: 2018-05-16. Review status: criteria provided, single submitter. Criteria: Invitae Variant Classification Sherloc (09022015). Collection method: clinical testing. Allele origin: germline.
Comment: For these reasons, this variant has been classified as Pathogenic. Loss-of-function variants in CHD7 are known to be pathogenic (PMID: 22461308, 25077900). This variant has been observed in individuals affected with CHD7-related disease (PMID: 23885230, 29300383) and has been reported to be de novo in an individual referred for CHARGE syndrome genetic testing (PMID: 21158681). ClinVar contains an entry for this variant (Variation ID: 488369). This variant is not present in population databases (ExAC no frequency). This sequence change creates a premature translational stop signal (p.Gln814*) in the CHD7 gene. It is expected to result in an absent or disrupted protein product.

Sbielas Lab-Department of Human Genetics University of Michigan, University of Michigan Medical School
Classification: Pathogenic for CHD7-related CHARGE syndrome. Last evaluated: 2017-10-27. Review status: no assertion criteria provided. Collection method: research. Allele origin: maternal. Affected: yes. Not counted in ClinVar's aggregate classification.

University of Washington Center for Mendelian Genomics, University of Washington
Classification: Likely pathogenic for CHARGE syndrome. Review status: no assertion criteria provided. Collection method: research. Allele origin: inherited. Affected: yes. Not counted in ClinVar's aggregate classification.

Literature cited by the submitters: PubMed 22461308 (cited by Labcorp Genetics (formerly Invitae), Labcorp); PubMed 25077900 (cited by Labcorp Genetics (formerly Invitae), Labcorp); PubMed 23885230 (cited by Labcorp Genetics (formerly Invitae), Labcorp); PubMed 29300383 (cited by 3 submitters); PubMed 21158681 (cited by Labcorp Genetics (formerly Invitae), Labcorp).

NM_017780.4(CHD7):c.2440C>T (p.Gln814Ter)

Gene: CHD7 (chromodomain helicase DNA binding protein 7; plus strand). Cytogenetic location: 8q12.2.
Variant type: single nucleotide variant.
Coding change: c.2440C>T on transcript NM_017780.4 (MANE Select); coding-DNA position 2440, C replaced by T.
Protein change: p.Gln814Ter; replaces glutamine 814 with a stop codon.
Molecular consequence: nonsense. On other transcripts: intron variant (1).
Genome position (GRCh38, 1-based): chr8:60,801,591, C>T. VCF-style: chr8-60801591-C-T. GRCh37 (hg19) VCF-style: chr8-61714150-C-T.
Other names: c.1716+20541C>T (NM_001316690.1); c.2440C>T (LRG_176t1); short protein forms Q814*.
Identifiers: ClinVar variation 488369 (VCV000488369.10), dbSNP rs1554593049, ClinGen allele CA371301633.
Genomic context (GRCh38, chr8:60,801,591, plus strand): 5'-TCTGTTGATGCAGAAGGCCCAGTGGTAGAAAAAATTATGAGCAGTCGTTCAGTAAAAAAG[C>T]AGGTGAGTGCCATTGGAGCCATTAAAATCTGTGAGGTGTATGTGACTCTTACAGGATTGT-3'